The following is an entry in ClinVar:

NM_006231.4(POLE):c.1852G>A (p.Glu618Lys)

Gene: POLE (DNA polymerase epsilon, catalytic subunit; minus strand). Cytogenetic location: 12q24.33.
Variant type: single nucleotide variant.
Coding change: c.1852G>A on transcript NM_006231.4 (MANE Select); coding-DNA position 1852, G replaced by A.
Protein change: p.Glu618Lys; replaces glutamic acid 618 with lysine.
Molecular consequence: missense variant.
Genome position (GRCh38, 1-based): chr12:132,668,882, C>T on the plus strand (G>A on the coding strand, the complement: POLE is on the minus strand). VCF-style: chr12-132668882-C-T. GRCh37 (hg19) VCF-style: chr12-133245468-C-T.
Other names: c.1852G>A (NM_006231.2); short protein forms E618K.
Identifiers: ClinVar variation 645076 (VCV000645076.12), dbSNP rs1377657524, ClinGen allele CA387355522.

ClinVar aggregate classification (germline): Uncertain significance. Review status: criteria provided, multiple submitters, no conflicts (2 of 4 stars). 6 submissions from 6 submitters: Uncertain significance (5). 1 of the submissions does not count toward it. Last evaluated 2025-12-29.

Conditions:
Hereditary cancer-predisposing syndrome. Also called: Hereditary neoplastic syndrome; Tumor predisposition; Neoplastic Syndromes, Hereditary; Hereditary Cancer Syndrome. Identifiers: Orphanet 140162, MedGen C0027672, MeSH D009386, MONDO:0015356.
Carcinoma of colon (CRC). Also called: Colon carcinoma; Colonic carcinoma. Identifiers: MedGen C0699790, MONDO:0002032.

Allele frequency attached by ClinVar (database versions not stated): TOPMed 0.00001; gnomAD 0.00002.

Submissions (6):

Center for Genomic Medicine, Rigshospitalet, Copenhagen University Hospital
Classification: Uncertain significance. Last evaluated: 2025-12-29. Review status: criteria provided, single submitter. Criteria: ACMG Guidelines, 2015. Collection method: clinical testing. Allele origin: germline.

Labcorp Genetics (formerly Invitae), Labcorp
Classification: Uncertain significance. Last evaluated: 2025-09-06. Review status: criteria provided, single submitter. Criteria: Invitae Variant Classification Sherloc (09022015). Collection method: clinical testing. Allele origin: germline.
Comment: This sequence change replaces glutamic acid, which is acidic and polar, with lysine, which is basic and polar, at codon 618 of the POLE protein (p.Glu618Lys). This variant is not present in population databases (gnomAD no frequency). This variant has not been reported in the literature in individuals affected with POLE-related conditions. ClinVar contains an entry for this variant (Variation ID: 645076). Invitae Evidence Modeling of protein sequence and biophysical properties (such as structural, functional, and spatial information, amino acid conservation, physicochemical variation, residue mobility, and thermodynamic stability) has been performed for this missense variant. However, the output from this modeling did not meet the statistical confidence thresholds required to predict the impact of this variant on POLE protein function. In summary, the available evidence is currently insufficient to determine the role of this variant in disease. Therefore, it has been classified as a Variant of Uncertain Significance.

Ambry Genetics
Classification: Uncertain significance for Hereditary cancer-predisposing syndrome. Last evaluated: 2025-02-20. Review status: criteria provided, single submitter. Criteria: Ambry Variant Classification Scheme 2023. Collection method: clinical testing. Allele origin: germline.
Comment: The p.E618K variant (also known as c.1852G>A), located in coding exon 17 of the POLE gene, results from a G to A substitution at nucleotide position 1852. The glutamic acid at codon 618 is replaced by lysine, an amino acid with similar properties. This amino acid position is highly conserved in available vertebrate species. In addition, the in silico prediction for this alteration is inconclusive. Based on the available evidence, the clinical significance of this variant remains unclear.

GeneDx
Classification: Uncertain significance. Last evaluated: 2022-11-17. Review status: criteria provided, single submitter. Criteria: GeneDx Variant Classification Process June 2021. Collection method: clinical testing. Allele origin: germline. Affected: yes.
Comment: Not observed at significant frequency in large population cohorts (gnomAD); In silico analysis supports that this missense variant has a deleterious effect on protein structure/function; Has not been previously published as pathogenic or benign to our knowledge; This variant is associated with the following publications: (PMID: 20951805)

Institute for Clinical Genetics, University Hospital TU Dresden, University Hospital TU Dresden
Classification: Uncertain significance. Last evaluated: 2021-11-03. Review status: criteria provided, single submitter. Criteria: ACMG Guidelines, 2015. Collection method: clinical testing. Allele origin: germline.

Department of Pathology and Laboratory Medicine, Sinai Health System
Classification: Uncertain significance for Carcinoma of colon. Review status: no assertion criteria provided. Collection method: clinical testing. Allele origin: unknown. Affected: yes. Study: The Canadian Open Genetics Repository (COGR). Not counted in ClinVar's aggregate classification.
Comment: The POLE p.Glu618Lys variant was not identified in the literature nor was it identified in the dbSNP, ClinVar, Clinvitae, Cosmic or MutDB databases. The variant was not identified in the following control databases: the 1000 Genomes Project, the NHLBI GO Exome Sequencing Project, the Exome Aggregation Consortium (August 8th 2016), or the Genome Aggregation Database (Feb 27, 2017). The p.Glu618 residue is conserved across mammals and other organisms and four out of five computational analyses (PolyPhen-2, SIFT, AlignGVGD, BLOSUM, MutationTaster) suggest that the p.Glu618Lys variant may impact the protein; however, this information is not predictive enough to assume pathogenicity. The variant occurs outside of the splicing consensus sequence and 1 of 5 in silico or computational prediction software programs (SpliceSiteFinder, MaxEntScan, NNSPLICE, GeneSplicer, HumanSpliceFinder) predict a greater than 10% difference in splicing; this is not very predictive of pathogenicity. In summary, based on the above information the clinical significance of this variant cannot be determined with certainty at this time. This variant is classified as a variant of uncertain significance.